The following is an entry in ClinVar:

NM_007294.4(BRCA1):c.548-12G>A

Gene: BRCA1 (BRCA1 DNA repair associated; minus strand). Cytogenetic location: 17q21.31.
Variant type: single nucleotide variant.
Coding change: c.548-12G>A on transcript NM_007294.4 (MANE Select); 12 bases into the intron before coding-DNA position 548, G replaced by A.
Molecular consequence: intron variant.
Genome position (GRCh38, 1-based): chr17:43,097,301, C>T on the plus strand (G>A on the coding strand, the complement: BRCA1 is on the minus strand). VCF-style: chr17-43097301-C-T. GRCh37 (hg19) VCF-style: chr17-41249318-C-T.
Other names: IVS8-12G>A; c.548-12G>A (NM_001407973.1, NM_001407596.1, NM_001407622.1 and 58 more transcripts); c.-218-2441G>A (NM_001407966.1, NM_001407967.1); c.167-12G>A (NM_001407963.1, NM_001407960.1, NM_001407959.1 and 1 more transcripts); c.403+2474G>A (NM_001408511.1); c.407-12G>A (NM_001408457.1, NM_001407692.1, NM_001407851.1 and 43 more transcripts); c.404-2441G>A (NM_001408505.1, NM_001407936.1, NM_001407930.1 and 5 more transcripts); c.404-12G>A (NM_001407964.1, NM_001407844.1, NM_001407743.1 and 26 more transcripts); and 18 more.
Identifiers: ClinVar variation 125883 (VCV000125883.21), dbSNP rs80358164, ClinGen allele CA003643.
Genomic context (GRCh38, chr17:43,097,301, plus strand): 5'-CACCTGCAATAAGTTGCCTTATTAACGGTATCTTCAGAAGAATCAGATCCTAAAAAATTT[C>T]CCCCCAAAAAATAAATCAATAAAAGTTTTCTTAATTAAAAGGGTTAAAAAAATGTACTTG-3'

ClinVar aggregate classification (germline): Conflicting classifications of pathogenicity. Review status: criteria provided, conflicting classifications (1 of 4 stars). 6 submissions from 6 submitters: Uncertain significance (1); Benign (1); Likely benign (3). 1 of the submissions does not count toward it. Last evaluated 2026-03-17.

Conditions:
Hereditary cancer-predisposing syndrome. Also called: Tumor predisposition; Hereditary neoplastic syndrome; Hereditary Cancer Syndrome; Neoplastic Syndromes, Hereditary. Identifiers: Orphanet 140162, MedGen C0027672, MeSH D009386, MONDO:0015356.
Hereditary breast ovarian cancer syndrome. Also called: Hereditary breast and/or ovarian cancer syndrome; Breast and ovarian cancer; Hereditary breast and ovarian cancer syndrome; Hereditary breast and ovarian cancer; Hereditary breast and ovarian cancer syndrome (HBOC); BRCA1- and BRCA2-Associated Hereditary Breast and Ovarian Cancer. Identifiers: Orphanet 145, MedGen C0677776, MeSH D061325, MONDO:0003582. Disease mechanism: loss of function.
Breast-ovarian cancer, familial, susceptibility to, 1 (BROVCA1). Also called: BRCA1 Hereditary Breast and Ovarian Cancer; OVARIAN CANCER, SUSCEPTIBILITY TO. Identifiers: Orphanet 145, MedGen C2676676, MONDO:0011450, OMIM 604370. Disease mechanism: loss of function.

Allele frequency attached by ClinVar (database versions not stated): ExAC 0.00001; gnomAD exomes below 0.00001.
gnomAD v4.1: 1 of 1,609,804 alleles (0.000062%); highest among the groups gnomAD compares: Non-Finnish European, 0.000085%; no homozygotes.

Submissions (6):

Myriad Genetics, Inc.
Classification: Benign for Breast-ovarian cancer, familial, susceptibility to, 1. Last evaluated: 2026-03-17. Review status: criteria provided, single submitter. Criteria: Myriad Autosomal Dominant, Autosomal Recessive and X-Linked Classification Criteria (2023). Collection method: clinical testing. Allele origin: unknown.
Comment: This variant is considered benign. This variant is intronic and is not expected to impact mRNA splicing. This variant is strongly associated with less severe personal and family histories of cancer, typical for individuals without pathogenic variants in this gene [PMID: 25085752].

Labcorp Genetics (formerly Invitae), Labcorp
Classification: Likely benign for Hereditary breast ovarian cancer syndrome. Last evaluated: 2026-01-22. Review status: criteria provided, single submitter. Criteria: Invitae Variant Classification Sherloc (09022015). Collection method: clinical testing. Allele origin: germline.

Women's Health and Genetics/Laboratory Corporation of America, LabCorp
Classification: Likely benign. Last evaluated: 2024-12-11. Review status: criteria provided, single submitter. Criteria: LabCorp Variant Classification Summary - May 2015. Collection method: clinical testing. Allele origin: germline.

Color Diagnostics, LLC DBA Color Health
Classification: Likely benign for Hereditary cancer-predisposing syndrome. Last evaluated: 2023-11-07. Review status: criteria provided, single submitter. Criteria: ACMG Guidelines, 2015. Collection method: clinical testing. Allele origin: germline.

GeneDx
Classification: Uncertain significance. Last evaluated: 2019-11-20. Review status: criteria provided, single submitter. Criteria: GeneDx Variant Classification Process June 2021. Collection method: clinical testing. Allele origin: germline. Affected: yes.
Comment: Not observed at a significant frequency in large population cohorts (Lek 2016); Has not been previously published as pathogenic or benign to our knowledge; In-silico analysis, which includes splice predictors and evolutionary conservation, is inconclusive as to whether the variant alters gene splicing. In the absence of RNA/functional studies, the actual effect of this sequence change is unknown.; Also known as 667-12G>A

Breast Cancer Information Core (BIC) (BRCA1)
Classification: Uncertain significance for Breast-ovarian cancer, familial 1. Last evaluated: 2001-10-29. Review status: no assertion criteria provided. Collection method: clinical testing. Allele origin: germline. Affected: yes. Observed: 1 variant allele. Not counted in ClinVar's aggregate classification.

Literature cited by the submitters: PubMed 25085752 (cited by Myriad Genetics, Inc.).